The following is an entry in ClinVar:

NM_000059.4(BRCA2):c.9618A>C (p.Gln3206His)

Gene: BRCA2 (BRCA2 DNA repair associated; plus strand). Cytogenetic location: 13q13.1.
Variant type: single nucleotide variant.
Coding change: c.9618A>C on transcript NM_000059.4 (MANE Select); coding-DNA position 9618, A replaced by C.
Protein change: p.Gln3206His; replaces glutamine 3206 with histidine.
Molecular consequence: missense variant. On other transcripts: non-coding transcript variant (1).
Genome position (GRCh38, 1-based): chr13:32,397,014, A>C. VCF-style: chr13-32397014-A-C. GRCh37 (hg19) VCF-style: chr13-32971151-A-C.
Other names: c.9522A>C, p.Gln3174His (NM_001406719.1); c.9567A>C, p.Gln3189His (NM_001406720.1); c.4686A>C, p.Gln1562His (NM_001406721.1); c.3201A>C, p.Gln1067His (NM_001406722.1); c.9618A>C, p.Gln3206His (NM_001432077.1); short protein forms Q3174H, Q3189H, Q1067H, Q3206H, Q1562H.
Identifiers: ClinVar variation 3482153 (VCV003482153.1).

ClinVar aggregate classification (germline): Uncertain significance (1 of 4 stars; one submission).

Conditions:
Hereditary cancer-predisposing syndrome. Also called: Tumor predisposition; Neoplastic Syndromes, Hereditary; Hereditary Cancer Syndrome; Hereditary neoplastic syndrome. Identifiers: Orphanet 140162, MedGen C0027672, MeSH D009386, MONDO:0015356.

Submission:

Ambry Genetics
Classification: Uncertain significance for Hereditary cancer-predisposing syndrome. Last evaluated: 2024-10-28. Review status: criteria provided, single submitter. Criteria: Ambry Variant Classification Scheme 2023. Collection method: clinical testing. Allele origin: germline.
Comment: The p.Q3206H variant (also known as c.9618A>C), located in coding exon 25 of the BRCA2 gene, results from an A to C substitution at nucleotide position 9618. The glutamine at codon 3206 is replaced by histidine, an amino acid with highly similar properties. This amino acid position is conserved. In addition, this alteration is predicted to be tolerated by in silico analysis. Based on the available evidence, the clinical significance of this variant remains unclear.